The following is an entry in ClinVar:

NM_015272.5(RPGRIP1L):c.2261G>A (p.Gly754Glu)

Gene: RPGRIP1L (RPGRIP1 like; minus strand). Cytogenetic location: 16q12.2.
Variant type: single nucleotide variant.
Coding change: c.2261G>A on transcript NM_015272.5 (MANE Select); coding-DNA position 2261, G replaced by A.
Protein change: p.Gly754Glu; replaces glycine 754 with glutamic acid.
Molecular consequence: missense variant.
Genome position (GRCh38, 1-based): chr16:53,649,007, C>T on the plus strand (G>A on the coding strand, the complement: RPGRIP1L is on the minus strand). VCF-style: chr16-53649007-C-T. GRCh37 (hg19) VCF-style: chr16-53682919-C-T.
Other names: c.2261G>A, p.Gly754Glu (NM_001127897.4, NM_001308334.3, NM_001330538.2); short protein forms G754E.
Identifiers: ClinVar variation 1007059 (VCV001007059.9), dbSNP rs1966773695, ClinGen allele CA395915463.

ClinVar aggregate classification (germline): Uncertain significance (1 of 4 stars; one submission).

Conditions:
Joubert syndrome. Also called: Familial aplasia of the vermis; CEREBELLOPARENCHYMAL DISORDER IV; JOUBERT-BOLTSHAUSER SYNDROME. Identifiers: Orphanet 475, MedGen C5979921, MONDO:0018772.
Meckel-Gruber syndrome. Also called: Dysencephalia splachnocystica; DYSENCEPHALIA SPLANCHNOCYSTICA; GRUBER SYNDROME. Identifiers: Orphanet 564, MedGen C0265215, MONDO:0018921.

Submission:

Labcorp Genetics (formerly Invitae), Labcorp
Classification: Uncertain significance for Joubert syndrome; Meckel-Gruber syndrome. Last evaluated: 2022-06-20. Review status: criteria provided, single submitter. Criteria: Invitae Variant Classification Sherloc (09022015). Collection method: clinical testing. Allele origin: germline.
Comment: ClinVar contains an entry for this variant (Variation ID: 1007059). Algorithms developed to predict the effect of missense changes on protein structure and function are either unavailable or do not agree on the potential impact of this missense change (SIFT: "Tolerated"; PolyPhen-2: "Probably Damaging"; Align-GVGD: "Class C0"). In summary, the available evidence is currently insufficient to determine the role of this variant in disease. Therefore, it has been classified as a Variant of Uncertain Significance. This variant has not been reported in the literature in individuals affected with RPGRIP1L-related conditions. This variant is not present in population databases (gnomAD no frequency). This sequence change replaces glycine, which is neutral and non-polar, with glutamic acid, which is acidic and polar, at codon 754 of the RPGRIP1L protein (p.Gly754Glu).